The following is an entry in ClinVar:

NM_001164508.2(NEB):c.23351dup (p.Tyr7785fs)

Genes: NEB (nebulin; minus strand), RIF1 (replication timing regulatory factor 1; plus strand). Cytogenetic location: 2q23.3.
Variant type: Duplication.
Coding change: c.23351dup on transcript NM_001164508.2 (MANE Select); coding-DNA position 23351, one base duplicated (A; older notation c.23351dupA).
Protein change: p.Tyr7785fs; shifts the reading frame from tyrosine 7785.
Molecular consequence: frameshift variant.
Genome position (GRCh38, 1-based): chr2:151,508,105, T duplicated on the plus strand (A on the coding strand, the reverse complement: NEB is on the minus strand); the first of 5 consecutive T bases (chr2:151,508,105-151,508,109); duplicating any one gives the same sequence. VCF-style (leftmost placement, unchanged base first): chr2-151508104-C-CT. GRCh37 (hg19) VCF-style: chr2-152364618-C-CT.
Other names: c.23351dup, p.Tyr7785fs (NM_001164507.2); c.23456dup, p.Tyr7820fs (NM_001271208.2); c.18248dup, p.Tyr6084fs (NM_004543.5); c.18248dupA (NM_004543.4); c.23456dup (NM_001271208.1); short protein forms Y6084fs, Y7785fs, Y7820fs.
Identifiers: ClinVar variation 623342 (VCV000623342.7), dbSNP rs1559360386, ClinGen allele CA913189338.

ClinVar aggregate classification (germline): Pathogenic/Likely pathogenic. Review status: criteria provided, multiple submitters, no conflicts (2 of 4 stars). 3 submissions from 3 submitters: Pathogenic (2); Likely pathogenic (1). Last evaluated 2023-06-10.

Conditions:
Nemaline myopathy 2 (NEM2). Also called: Nemaline myopathy 2, autosomal recessive. Identifiers: MedGen C1850569, MONDO:0009725, OMIM 256030.
Arthrogryposis multiplex congenita 6. Identifiers: MedGen C5543431, MONDO:0030281, OMIM 619334.

Submissions (3):

Baylor Genetics
Classification: Likely pathogenic for Arthrogryposis multiplex congenita 6. Last evaluated: 2023-06-10. Review status: criteria provided, single submitter. Criteria: ACMG Guidelines, 2015. Collection method: clinical testing. Allele origin: unknown.

Labcorp Genetics (formerly Invitae), Labcorp
Classification: Pathogenic for Nemaline myopathy 2. Last evaluated: 2022-08-06. Review status: criteria provided, single submitter. Criteria: Invitae Variant Classification Sherloc (09022015). Collection method: clinical testing. Allele origin: germline.
Comment: This sequence change creates a premature translational stop signal (p.Tyr7820Valfs*6) in the NEB gene. It is expected to result in an absent or disrupted protein product. Loss-of-function variants in NEB are known to be pathogenic (PMID: 25205138). This variant is not present in population databases (gnomAD no frequency). This variant has not been reported in the literature in individuals affected with NEB-related conditions. ClinVar contains an entry for this variant (Variation ID: 623342). For these reasons, this variant has been classified as Pathogenic.

Department of Genetics, Sultan Qaboos University Hospital
Classification: Pathogenic for Nemaline myopathy 2. Last evaluated: 2017-12-30. Review status: criteria provided, single submitter. Criteria: ACMG Guidelines, 2015. Collection method: curation. Allele origin: unknown. Affected: yes.

Literature cited by the submitters: PubMed 25205138 (cited by Labcorp Genetics (formerly Invitae), Labcorp).